The following is an entry in ClinVar:

ClinVar aggregate classification (germline): Uncertain significance (1 of 4 stars; one submission).

Submission:

GeneDx
Classification: Uncertain significance. Last evaluated: 2026-03-23. Review status: criteria provided, single submitter. Criteria: GeneDx Variant Classification Process June 2021. Collection method: clinical testing. Allele origin: germline.
Comment: Not observed at significant frequency in large population cohorts (gnomAD); In silico analysis supports a deleterious effect on splicing; Has not been previously published as pathogenic or benign to our knowledge.

NM_017635.5(KMT5B):c.977+1_977+2dup

Gene: KMT5B (lysine methyltransferase 5B; minus strand). Cytogenetic location: 11q13.2.
Variant type: Duplication.
Coding change: c.977+1_977+2dup on transcript NM_017635.5 (MANE Select); the canonical splice donor site of the intron after coding-DNA position 977, 2 bases duplicated (GT; older notation c.977+1_977+2dupGT).
Molecular consequence: splice donor variant.
Genome position (GRCh38, 1-based): chr11:68,171,013-68,171,014, AC duplicated on the plus strand (GT on the coding strand, the reverse complement: KMT5B is on the minus strand). VCF-style (leftmost placement, unchanged base first): chr11-68171012-T-TAC. GRCh37 (hg19) VCF-style: chr11-67938479-T-TAC.
Other names: c.461+1_461+2dup (NM_001300907.1, NM_001369429.1, NM_001369431.1 and 5 more transcripts); c.977+1_977+2dup (NM_001369426.1, NM_001363566.2, NM_001369427.1 and 1 more transcripts); c.764+1_764+2dup (NM_001369425.1); c.908+1_908+2dup (NM_001300909.2); c.257+1_257+2dup (NM_001300908.2).
Identifiers: ClinVar variation 5016960 (VCV005016960.1).